The following is an entry in ClinVar:

NM_001042492.3(NF1):c.7061A>C (p.Lys2354Thr)

Gene: NF1 (neurofibromin 1; plus strand). Cytogenetic location: 17q11.2.
Variant type: single nucleotide variant.
Coding change: c.7061A>C on transcript NM_001042492.3 (MANE Select); coding-DNA position 7061, A replaced by C.
Protein change: p.Lys2354Thr; replaces lysine 2354 with threonine.
Molecular consequence: missense variant.
Genome position (GRCh38, 1-based): chr17:31,340,644, A>C. VCF-style: chr17-31340644-A-C. GRCh37 (hg19) VCF-style: chr17-29667662-A-C.
Other names: c.6998A>C, p.Lys2333Thr (NM_000267.4); short protein forms K2333T, K2354T.
Identifiers: ClinVar variation 3404765 (VCV003404765.2).

ClinVar aggregate classification (germline): Uncertain significance (1 of 4 stars; one submission).

Conditions:
Hereditary cancer-predisposing syndrome. Also called: Tumor predisposition; Hereditary Cancer Syndrome; Hereditary neoplastic syndrome; Neoplastic Syndromes, Hereditary. Identifiers: Orphanet 140162, MedGen C0027672, MeSH D009386, MONDO:0015356.
Cardiovascular phenotype. Identifiers: MedGen CN230736.

Submission:

Ambry Genetics
Classification: Uncertain significance for Cardiovascular phenotype; Hereditary cancer-predisposing syndrome. Last evaluated: 2026-07-14. Review status: criteria provided, single submitter. Criteria: Ambry Variant Classification Scheme 2023. Collection method: clinical testing. Allele origin: germline.
Comment: The p.K2333T variant (also known as c.6998A>C), located in coding exon 46 of the NF1 gene, results from an A to C substitution at nucleotide position 6998. The lysine at codon 2333 is replaced by threonine, an amino acid with similar properties. This amino acid position is conserved. In addition, this alteration is predicted to be tolerated by in silico analysis. Based on the available evidence, the clinical significance of this variant remains unclear.